The following is an entry in ClinVar:

ClinVar aggregate classification (germline): Uncertain significance (1 of 4 stars; one submission).

Conditions:
Fanconi anemia complementation group O. Also called: RAD51C-Related Fanconi Anemia. Identifiers: Orphanet 84, MedGen C3150653, MONDO:0013248, OMIM 613390.

Submission:

Labcorp Genetics (formerly Invitae), Labcorp
Classification: Uncertain significance for Fanconi anemia complementation group O. Last evaluated: 2023-08-23. Review status: criteria provided, single submitter. Criteria: Invitae Variant Classification Sherloc (09022015). Collection method: clinical testing. Allele origin: germline.
Comment: An algorithm developed to predict the effect of missense changes on protein structure and function (PolyPhen-2) suggests that this variant is likely to be tolerated. In summary, the available evidence is currently insufficient to determine the role of this variant in disease. Therefore, it has been classified as a Variant of Uncertain Significance. ClinVar contains an entry for this variant (Variation ID: 409859). This variant has not been reported in the literature in individuals affected with RAD51C-related conditions. This variant is not present in population databases (gnomAD no frequency). This sequence change replaces alanine, which is neutral and non-polar, with threonine, which is neutral and polar, at codon 195 of the RAD51C protein (p.Ala195Thr).

NM_058216.3(RAD51C):c.583G>A (p.Ala195Thr)

Gene: RAD51C (RAD51 paralog C; plus strand). Cytogenetic location: 17q22.
Variant type: single nucleotide variant.
Coding change: c.583G>A on transcript NM_058216.3 (MANE Select); coding-DNA position 583, G replaced by A.
Protein change: p.Ala195Thr; replaces alanine 195 with threonine.
Molecular consequence: missense variant. On other transcripts: non-coding transcript variant (1).
Genome position (GRCh38, 1-based): chr17:58,703,207, G>A. VCF-style: chr17-58703207-G-A. GRCh37 (hg19) VCF-style: chr17-56780568-G-A.
Other names: short protein forms A195T.
Identifiers: ClinVar variation 409859 (VCV000409859.8), dbSNP rs1060502600, ClinGen allele CA16615469.